The following is an entry in ClinVar:

NM_004415.4(DSP):c.4462C>T (p.Gln1488Ter)

Gene: DSP (desmoplakin; plus strand). Cytogenetic location: 6p24.3.
Variant type: single nucleotide variant.
Coding change: c.4462C>T on transcript NM_004415.4 (MANE Select); coding-DNA position 4462, C replaced by T.
Protein change: p.Gln1488Ter; replaces glutamine 1488 with a stop codon.
Molecular consequence: nonsense. On other transcripts: intron variant (2).
Genome position (GRCh38, 1-based): chr6:7,580,652, C>T. VCF-style: chr6-7580652-C-T. GRCh37 (hg19) VCF-style: chr6-7580885-C-T.
Other names: c.4050+412C>T (NM_001319034.2); c.3582+880C>T (NM_001008844.3); short protein forms Q1488*.
Identifiers: ClinVar variation 2949980 (VCV002949980.3), dbSNP rs2533928788, ClinGen allele CA362686368.

ClinVar aggregate classification (germline): Pathogenic (1 of 4 stars; one submission).

Conditions:
Arrhythmogenic cardiomyopathy with wooly hair and keratoderma. Also called: PALMOPLANTAR KERATODERMA WITH LEFT VENTRICULAR CARDIOMYOPATHY AND WOOLLY HAIR; Carvajal syndrome; Dilated cardiomyopathy with woolly hair and keratoderma; Arrhythmogenic cardiomyopathy with woolly hair and keratoderma. Identifiers: Orphanet 65282, MedGen C1854063, MONDO:0011581, OMIM 605676.
Arrhythmogenic right ventricular dysplasia 8 (ARVD8). Also called: Arrhythmogenic Right Ventricular Dysplasia/Cardiomyopathy 8; ARRHYTHMOGENIC RIGHT VENTRICULAR DYSPLASIA, FAMILIAL, 8; ARRHYTHMOGENIC RIGHT VENTRICULAR CARDIOMYOPATHY 8. Identifiers: MedGen C1843896, MONDO:0011831, OMIM 607450.

Submission:

Labcorp Genetics (formerly Invitae), Labcorp
Classification: Pathogenic for Arrhythmogenic cardiomyopathy with wooly hair and keratoderma; Arrhythmogenic right ventricular dysplasia 8. Last evaluated: 2024-01-19. Review status: criteria provided, single submitter. Criteria: Invitae Variant Classification Sherloc (09022015). Collection method: clinical testing. Allele origin: germline.
Comment: This sequence change creates a premature translational stop signal (p.Gln1488*) in the DSP gene. It is expected to result in an absent or disrupted protein product. Loss-of-function variants in DSP are known to be pathogenic (PMID: 20716751, 24503780, 25227139). This variant is not present in population databases (gnomAD no frequency). This variant has not been reported in the literature in individuals affected with DSP-related conditions. For these reasons, this variant has been classified as Pathogenic.

Literature cited by the submitters: PubMed 20716751; PubMed 24503780; PubMed 25227139.